The following is an entry in ClinVar:

ClinVar aggregate classification (germline): Uncertain significance. Review status: criteria provided, multiple submitters, no conflicts (2 of 4 stars). 2 submissions from 2 submitters: Uncertain significance (2). Last evaluated 2025-01-27.

Submissions (2):

GeneDx
Classification: Uncertain significance. Last evaluated: 2025-01-27. Review status: criteria provided, single submitter. Criteria: GeneDx Variant Classification Process June 2021. Collection method: clinical testing. Allele origin: germline.
Comment: Not observed at significant frequency in large population cohorts (gnomAD); In silico analysis supports that this missense variant has a deleterious effect on protein structure/function; Has not been previously published as pathogenic or benign to our knowledge

Labcorp Genetics (formerly Invitae), Labcorp
Classification: Uncertain significance. Last evaluated: 2024-07-31. Review status: criteria provided, single submitter. Criteria: Invitae Variant Classification Sherloc (09022015). Collection method: clinical testing. Allele origin: germline.
Comment: This sequence change replaces isoleucine, which is neutral and non-polar, with methionine, which is neutral and non-polar, at codon 1686 of the SCN3A protein (p.Ile1686Met). This variant is not present in population databases (gnomAD no frequency). This variant has not been reported in the literature in individuals affected with SCN3A-related conditions. Advanced modeling of protein sequence and biophysical properties (such as structural, functional, and spatial information, amino acid conservation, physicochemical variation, residue mobility, and thermodynamic stability) has been performed at Invitae for this missense variant, however the output from this modeling did not meet the statistical confidence thresholds required to predict the impact of this variant on SCN3A protein function. In summary, the available evidence is currently insufficient to determine the role of this variant in disease. Therefore, it has been classified as a Variant of Uncertain Significance.

NM_006922.4(SCN3A):c.5058T>G (p.Ile1686Met)

Gene: SCN3A (sodium voltage-gated channel alpha subunit 3; minus strand). Cytogenetic location: 2q24.3.
Variant type: single nucleotide variant.
Coding change: c.5058T>G on transcript NM_006922.4 (MANE Select); coding-DNA position 5058, T replaced by G.
Protein change: p.Ile1686Met; replaces isoleucine 1686 with methionine.
Molecular consequence: missense variant.
Genome position (GRCh38, 1-based): chr2:165,091,095, A>C on the plus strand (T>G on the coding strand, the complement: SCN3A is on the minus strand). VCF-style: chr2-165091095-A-C. GRCh37 (hg19) VCF-style: chr2-165947605-A-C.
Other names: c.4911T>G, p.Ile1637Met (NM_001081676.2, NM_001081677.2); short protein forms I1637M, I1686M.
Identifiers: ClinVar variation 3375787 (VCV003375787.4).